The following is an entry in ClinVar:

ClinVar aggregate classification (germline): Uncertain significance. Review status: criteria provided, multiple submitters, no conflicts (2 of 4 stars). 3 submissions from 3 submitters: Uncertain significance (3). Last evaluated 2025-09-25.

Conditions:
Intellectual developmental disorder, autosomal recessive 1. Also called: MENTAL RETARDATION, AUTOSOMAL RECESSIVE 1; Intellectual disability, autosomal recessive 1. Identifiers: Orphanet 88616, MedGen C1855304, MONDO:0009580, OMIM 249500.

Allele frequency attached by ClinVar (database versions not stated): 1000 Genomes Project 0.00020; ExAC 0.00041; ESP Exome Variant Server 0.00062; gnomAD exomes 0.00074 and 0.00036; gnomAD 0.00037 and 0.00039; TOPMed 0.00042; 1000 Genomes Project 30x 0.00016.
gnomAD v4.1: 1,123 of 1,613,198 alleles (0.07%); highest among the groups gnomAD compares: Non-Finnish European, 0.09%; no homozygotes.

Submissions (3):

Ambry Genetics
Classification: Uncertain significance. Last evaluated: 2025-09-25. Review status: criteria provided, single submitter. Criteria: Ambry Variant Classification Scheme 2023. Collection method: clinical testing. Allele origin: germline.

Women's Health and Genetics/Laboratory Corporation of America, LabCorp
Classification: Uncertain significance. Last evaluated: 2023-11-15. Review status: criteria provided, single submitter. Criteria: LabCorp Variant Classification Summary - May 2015. Collection method: clinical testing. Allele origin: germline.
Comment: Variant summary: PRSS12 c.37G>A (p.Gly13Arg) results in a non-conservative amino acid change in the encoded protein sequence. Four of five in-silico tools predict a benign effect of the variant on protein function. The variant allele was found at a frequency of 0.00036 in 248470 control chromosomes (gnomAD). c.37G>A has been reported in the literature in an individual affected with Intellectual Disability without cosegregation information, and they also had other co-occurring variants (Redin_2014). This report does not provide unequivocal conclusions about association of the variant with Intellectual Disability, Autosomal Recessive 1. To our knowledge, no experimental evidence demonstrating an impact on protein function has been reported. The following publication has been ascertained in the context of this evaluation (PMID: 25167861). Two submitters have cited clinical-significance assessments for this variant to ClinVar after 2014. Both submitters classified the variant as uncertain significance. Based on the evidence outlined above, the variant was classified as uncertain significance.

Baylor Genetics
Classification: Uncertain significance for Intellectual developmental disorder, autosomal recessive 1. Last evaluated: 2023-03-16. Review status: criteria provided, single submitter. Criteria: ACMG Guidelines, 2015. Collection method: clinical testing. Allele origin: unknown.

Literature cited by the submitters: PubMed 25167861 (cited by Women's Health and Genetics/Laboratory Corporation of America, LabCorp).

NM_003619.4(PRSS12):c.37G>A (p.Gly13Arg)

Gene: PRSS12 (serine protease 12; minus strand). Cytogenetic location: 4q26.
Variant type: single nucleotide variant.
Coding change: c.37G>A on transcript NM_003619.4 (MANE Select); coding-DNA position 37, G replaced by A.
Protein change: p.Gly13Arg; replaces glycine 13 with arginine.
Molecular consequence: missense variant.
Genome position (GRCh38, 1-based): chr4:118,352,684, C>T on the plus strand (G>A on the coding strand, the complement: PRSS12 is on the minus strand). VCF-style: chr4-118352684-C-T. GRCh37 (hg19) VCF-style: chr4-119273839-C-T.
Other names: short protein forms G13R.
Identifiers: ClinVar variation 440998 (VCV000440998.9), dbSNP rs140334007, ClinGen allele CA3056035.